The following is an entry in ClinVar:

ClinVar aggregate classification (germline): Likely pathogenic (1 of 4 stars; one submission).

Conditions:
Neurofibromatosis, type 1 (NF1). Also called: VON RECKLINGHAUSEN DISEASE; NEUROFIBROMATOSIS, TYPE I, SOMATIC; Peripheral type neurofibromatosis; Neurofibromatosis, type I. Identifiers: Orphanet 636, MedGen C0027831, MONDO:0018975, OMIM 162200. Disease mechanism: loss of function.

Submission:

Labcorp Genetics (formerly Invitae), Labcorp
Classification: Likely pathogenic for Neurofibromatosis, type 1. Last evaluated: 2025-05-11. Review status: criteria provided, single submitter. Criteria: Invitae Variant Classification Sherloc (09022015). Collection method: clinical testing. Allele origin: germline.
Comment: This sequence change falls in intron 26 of the NF1 gene. It does not directly change the encoded amino acid sequence of the NF1 protein. This variant is not present in population databases (gnomAD no frequency). This variant has been observed in individual(s) with neurofibromatosis type 1 (PMID: 27322474). In at least one individual the variant was observed to be de novo. ClinVar contains an entry for this variant (Variation ID: 3722659). Algorithms developed to predict the effect of sequence changes on RNA splicing suggest that this variant may disrupt the consensus splice site. In summary, the currently available evidence indicates that the variant is pathogenic, but additional data are needed to prove that conclusively. Therefore, this variant has been classified as Likely Pathogenic.

Literature cited by the submitters: PubMed 27322474.

NM_001042492.3(NF1):c.3497-4T>G

Gene: NF1 (neurofibromin 1; plus strand). Cytogenetic location: 17q11.2.
Variant type: single nucleotide variant.
Coding change: c.3497-4T>G on transcript NM_001042492.3 (MANE Select); 4 bases into the intron before coding-DNA position 3497, T replaced by G.
Molecular consequence: intron variant.
Genome position (GRCh38, 1-based): chr17:31,232,998, T>G. VCF-style: chr17-31232998-T-G. GRCh37 (hg19) VCF-style: chr17-29560016-T-G.
Other names: c.3497-4T>G (NM_000267.4).
Identifiers: ClinVar variation 3722659 (VCV003722659.2).